The following is an entry in ClinVar:

ClinVar aggregate classification (germline): Uncertain significance (1 of 4 stars; one submission).

Conditions:
Hereditary cancer-predisposing syndrome. Also called: Tumor predisposition; Hereditary neoplastic syndrome; Neoplastic Syndromes, Hereditary; Hereditary Cancer Syndrome. Identifiers: Orphanet 140162, MedGen C0027672, MeSH D009386, MONDO:0015356.

Submission:

Ambry Genetics
Classification: Uncertain significance for Hereditary cancer-predisposing syndrome. Last evaluated: 2025-03-31. Review status: criteria provided, single submitter. Criteria: Ambry Variant Classification Scheme 2023. Collection method: clinical testing. Allele origin: germline.
Comment: The p.E2282Q variant (also known as c.6844G>C), located in coding exon 11 of the BRCA2 gene, results from a G to C substitution at nucleotide position 6844. The glutamic acid at codon 2282 is replaced by glutamine, an amino acid with highly similar properties. This amino acid position is well conserved in available vertebrate species. In addition, the in silico prediction for this alteration is inconclusive. Based on the available evidence, the clinical significance of this variant remains unclear.

NM_000059.4(BRCA2):c.6844G>C (p.Glu2282Gln)

Gene: BRCA2 (BRCA2 DNA repair associated; plus strand). Cytogenetic location: 13q13.1.
Variant type: single nucleotide variant.
Coding change: c.6844G>C on transcript NM_000059.4 (MANE Select); coding-DNA position 6844, G replaced by C.
Protein change: p.Glu2282Gln; replaces glutamic acid 2282 with glutamine.
Molecular consequence: missense variant. On other transcripts: non-coding transcript variant (1), intron variant (1).
Genome position (GRCh38, 1-based): chr13:32,344,560, G>C. VCF-style: chr13-32344560-G-C. GRCh37 (hg19) VCF-style: chr13-32918697-G-C.
Other names: c.6844G>C, p.Glu2282Gln (NM_001406720.1, NM_001432077.1); c.1912G>C, p.Glu638Gln (NM_001406721.1); c.427G>C, p.Glu143Gln (NM_001406722.1); c.6842-2267G>C (NM_001406719.1); short protein forms E2282Q, E638Q, E143Q.
Identifiers: ClinVar variation 3992767 (VCV003992767.1).